The following is an entry in ClinVar:

ClinVar aggregate classification (germline): Uncertain significance. Review status: criteria provided, multiple submitters, no conflicts (2 of 4 stars). 4 submissions from 4 submitters: Uncertain significance (4). Last evaluated 2026-05-20.

Conditions:
Inborn genetic diseases. Identifiers: MedGen C0950123, MeSH D030342.
Bethlem myopathy 1A. Also called: MYOPATHY, BENIGN CONGENITAL, WITH CONTRACTURES; Bethlem myopathy 1; Bethlem Muscular Dystrophy. Identifiers: Orphanet 610, MedGen CN029274, MONDO:0024530, OMIM 158810.

Allele frequency attached by ClinVar (database versions not stated): gnomAD exomes 0.00002 and 0.00001; gnomAD 0.00001; ExAC 0.00001.
gnomAD v4.1: 27 of 1,612,860 alleles (0.0017%); highest among the groups gnomAD compares: Non-Finnish European, 0.0023%; no homozygotes.

Submissions (4):

Ambry Genetics
Classification: Uncertain significance for Inborn genetic diseases. Last evaluated: 2026-05-20. Review status: criteria provided, single submitter. Criteria: Ambry Variant Classification Scheme 2023. Collection method: clinical testing. Allele origin: germline.
Comment: The c.3238T>A (p.F1080I) alteration is located in exon 8 (coding exon 7) of the COL6A3 gene. This alteration results from a T to A substitution at nucleotide position 3238, causing the phenylalanine (F) at amino acid position 1080 to be replaced by an isoleucine (I). Based on data from gnomAD, the A allele has an overall frequency of 0.001% (2/250634) total alleles studied. The highest observed frequency was 0.002% (2/112962) of European (non-Finnish) alleles. Based on insufficient or conflicting evidence, the clinical significance of this alteration remains unclear.

Labcorp Genetics (formerly Invitae), Labcorp
Classification: Uncertain significance for Bethlem myopathy 1A. Last evaluated: 2024-11-24. Review status: criteria provided, single submitter. Criteria: Invitae Variant Classification Sherloc (09022015). Collection method: clinical testing. Allele origin: germline.
Comment: This sequence change replaces phenylalanine, which is neutral and non-polar, with isoleucine, which is neutral and non-polar, at codon 1080 of the COL6A3 protein (p.Phe1080Ile). This variant is present in population databases (rs761490778, gnomAD 0.002%). This variant has not been reported in the literature in individuals affected with COL6A3-related conditions. ClinVar contains an entry for this variant (Variation ID: 285201). Invitae Evidence Modeling of protein sequence and biophysical properties (such as structural, functional, and spatial information, amino acid conservation, physicochemical variation, residue mobility, and thermodynamic stability) indicates that this missense variant is not expected to disrupt COL6A3 protein function with a negative predictive value of 80%. In summary, the available evidence is currently insufficient to determine the role of this variant in disease. Therefore, it has been classified as a Variant of Uncertain Significance.

Revvity Omics, Revvity
Classification: Uncertain significance. Last evaluated: 2020-06-30. Review status: criteria provided, single submitter. Criteria: ACMG Guidelines, 2015. Collection method: clinical testing. Allele origin: germline.

Eurofins Ntd Llc (ga)
Classification: Uncertain significance. Last evaluated: 2015-12-07. Review status: criteria provided, single submitter. Criteria: EGL Classification Definitions 2015. Collection method: clinical testing. Allele origin: germline. Observed: 1 variant allele, 1 heterozygote.

NM_004369.4(COL6A3):c.3238T>A (p.Phe1080Ile)

Gene: COL6A3 (collagen type VI alpha 3 chain; minus strand). Cytogenetic location: 2q37.3.
Variant type: single nucleotide variant.
Coding change: c.3238T>A on transcript NM_004369.4 (MANE Select); coding-DNA position 3238, T replaced by A.
Protein change: p.Phe1080Ile; replaces phenylalanine 1080 with isoleucine.
Molecular consequence: missense variant.
Genome position (GRCh38, 1-based): chr2:237,374,853, A>T on the plus strand (T>A on the coding strand, the complement: COL6A3 is on the minus strand). VCF-style: chr2-237374853-A-T. GRCh37 (hg19) VCF-style: chr2-238283496-A-T.
Other names: c.2017T>A, p.Phe673Ile (NM_057164.5); c.2620T>A, p.Phe874Ile (NM_057165.5, NM_057167.4); c.1417T>A, p.Phe473Ile (NM_057166.5); c.3238T>A (NM_004369.3); short protein forms F1080I, F473I, F673I, F874I.
Identifiers: ClinVar variation 285201 (VCV000285201.17), dbSNP rs761490778, ClinGen allele CA2189206.